The following is an entry in ClinVar:

ClinVar aggregate classification (germline): Uncertain significance (1 of 4 stars; one submission).

Conditions:
Hereditary cancer-predisposing syndrome. Also called: Tumor predisposition; Neoplastic Syndromes, Hereditary; Hereditary neoplastic syndrome; Hereditary Cancer Syndrome. Identifiers: Orphanet 140162, MedGen C0027672, MeSH D009386, MONDO:0015356.

Submission:

Ambry Genetics
Classification: Uncertain significance for Hereditary cancer-predisposing syndrome. Last evaluated: 2024-11-12. Review status: criteria provided, single submitter. Criteria: Ambry Variant Classification Scheme 2023. Collection method: clinical testing. Allele origin: germline.
Comment: The c.1440T>A (p.A480A) alteration is located in exon 15 (coding exon 13) of the TSC1 gene. This alteration consists of a T to A substitution at nucleotide position 1440. This nucleotide substitution does not change the amino acid at codon 480. However, this change occurs in the last nucleotide of Exon 15 (c.1439_1997) which makes it likely to have some effect on normal mRNA splicing. Based on insufficient or conflicting evidence, the clinical significance of this alteration remains unclear.

NM_000368.5(TSC1):c.1440T>A (p.Ala480=)

Gene: TSC1 (TSC complex subunit 1; minus strand). Cytogenetic location: 9q34.13.
Variant type: single nucleotide variant.
Coding change: c.1440T>A on transcript NM_000368.5 (MANE Select); coding-DNA position 1440, T replaced by A.
Protein change: p.Ala480=; no amino-acid change (alanine 480 retained).
Molecular consequence: synonymous variant. On other transcripts: non-coding transcript variant (5).
Genome position (GRCh38, 1-based): chr9:132,906,138, A>T on the plus strand (T>A on the coding strand, the complement: TSC1 is on the minus strand). VCF-style: chr9-132906138-A-T. GRCh37 (hg19) VCF-style: chr9-135781525-A-T.
Other names: c.1437T>A, p.Ala479= (NM_001162426.2, NM_001406597.1, NM_001406598.1 and 6 more transcripts); c.1287T>A, p.Ala429= (NM_001162427.2, NM_001406610.1); c.1077T>A, p.Ala359= (NM_001362177.2, NM_001406614.1, NM_001406615.1 and 5 more transcripts); c.1440T>A, p.Ala480= (NM_001406592.1, NM_001406593.1, NM_001406594.1 and 7 more transcripts); c.1284T>A, p.Ala428= (NM_001406611.1, NM_001406612.1, NM_001406613.1); c.1074T>A, p.Ala358= (NM_001406620.1, NM_001406621.1, NM_001406622.1 and 2 more transcripts); c.489T>A, p.Ala163= (NM_001406626.1); c.486T>A, p.Ala162= (NM_001406627.1, NM_001406628.1); and 1 more.
Identifiers: ClinVar variation 3462510 (VCV003462510.1).